The following is an entry in ClinVar:

NM_014975.3(MAST1):c.584A>G (p.Glu195Gly)

Genes: MAST1 (microtubule associated serine/threonine kinase 1; plus strand), LOC117125587 (CRISPRi-FlowFISH-validated KLF1 and PRDX2 regulatory element; plus strand). Cytogenetic location: 19p13.13.
Variant type: single nucleotide variant.
Coding change: c.584A>G on transcript NM_014975.3 (MANE Select); coding-DNA position 584, A replaced by G.
Protein change: p.Glu195Gly; replaces glutamic acid 195 with glycine.
Molecular consequence: missense variant.
Genome position (GRCh38, 1-based): chr19:12,847,867, A>G. VCF-style: chr19-12847867-A-G. GRCh37 (hg19) VCF-style: chr19-12958681-A-G.
Other names: short protein forms E195G.
Identifiers: ClinVar variation 4886124 (VCV004886124.2).

ClinVar aggregate classification (germline): Uncertain significance (1 of 4 stars; one submission).

Submission:

Dasa
Classification: Uncertain significance. Last evaluated: 2025-10-27. Review status: criteria provided, single submitter. Criteria: DASA Assertion Criteria. Collection method: clinical testing. Allele origin: germline.
Comment: NM_014975.3(MAST1):c.584A>G (p.Glu195Gly) is a missense variant that results in the substitution of glutamic acid with glycine. This variant is absent from population databases. Computational prediction algorithms are consistent with a benign effect. The currently available literature and clinical evidence are not sufficient to establish a definitive association between this variant and the reported condition. Therefore, this variant is classified as a variant of uncertain significance.